The following is an entry in ClinVar:

NM_001376.5(DYNC1H1):c.11828C>T (p.Ala3943Val)

Gene: DYNC1H1 (dynein cytoplasmic 1 heavy chain 1; plus strand). Cytogenetic location: 14q32.31.
Variant type: single nucleotide variant.
Coding change: c.11828C>T on transcript NM_001376.5 (MANE Select); coding-DNA position 11828, C replaced by T.
Protein change: p.Ala3943Val; replaces alanine 3943 with valine.
Molecular consequence: missense variant.
Genome position (GRCh38, 1-based): chr14:102,040,373, C>T. VCF-style: chr14-102040373-C-T. GRCh37 (hg19) VCF-style: chr14-102506710-C-T.
Other names: short protein forms A3943V.
Identifiers: ClinVar variation 2428470 (VCV002428470.7), dbSNP rs759566577, ClinGen allele CA391036999.

ClinVar aggregate classification (germline): Uncertain significance. Review status: criteria provided, multiple submitters, no conflicts (2 of 4 stars). 2 submissions from 2 submitters: Uncertain significance (2). Last evaluated 2025-12-13.

Conditions:
Inborn genetic diseases. Identifiers: MedGen C0950123, MeSH D030342.
Charcot-Marie-Tooth disease axonal type 2O. Also called: CHARCOT-MARIE-TOOTH NEUROPATHY, AXONAL, TYPE 2O; CHARCOT-MARIE-TOOTH DISEASE, AXONAL, AUTOSOMAL DOMINANT, TYPE 2O; Charcot-Marie-Tooth Neuropathy Type 2O; Charcot-Marie-Tooth disease, axonal, type 20. Identifiers: Orphanet 284232, MedGen C3280220, MONDO:0013644, OMIM 614228.

Allele frequency attached by ClinVar (database versions not stated): TOPMed below 0.00001; gnomAD 0.00001.
gnomAD v4.1: 6 of 1,614,032 alleles (0.00037%); highest among the groups gnomAD compares: South Asian, 0.0011%; no homozygotes.

Submissions (2):

Labcorp Genetics (formerly Invitae), Labcorp
Classification: Uncertain significance for Charcot-Marie-Tooth disease axonal type 2O. Last evaluated: 2025-12-13. Review status: criteria provided, single submitter. Criteria: Invitae Variant Classification Sherloc (09022015). Collection method: clinical testing. Allele origin: germline.
Comment: This sequence change replaces alanine, which is neutral and non-polar, with valine, which is neutral and non-polar, at codon 3943 of the DYNC1H1 protein (p.Ala3943Val). This variant is not present in population databases (gnomAD no frequency). This variant has not been reported in the literature in individuals affected with DYNC1H1-related conditions. ClinVar contains an entry for this variant (Variation ID: 2428470). Invitae Evidence Modeling of protein sequence and biophysical properties (such as structural, functional, and spatial information, amino acid conservation, physicochemical variation, residue mobility, and thermodynamic stability) indicates that this missense variant is not expected to disrupt DYNC1H1 protein function with a negative predictive value of 95%. In summary, the available evidence is currently insufficient to determine the role of this variant in disease. Therefore, it has been classified as a Variant of Uncertain Significance.

Ambry Genetics
Classification: Uncertain significance for Inborn genetic diseases. Last evaluated: 2025-11-27. Review status: criteria provided, single submitter. Criteria: Ambry Variant Classification Scheme 2023. Collection method: clinical testing. Allele origin: germline.